The following is an entry in ClinVar:

NM_080680.3(COL11A2):c.4847G>T (p.Arg1616Met)

Gene: COL11A2 (collagen type XI alpha 2 chain; minus strand). Cytogenetic location: 6p21.32.
Variant type: single nucleotide variant.
Coding change: c.4847G>T on transcript NM_080680.3 (MANE Select); coding-DNA position 4847, G replaced by T.
Protein change: p.Arg1616Met; replaces arginine 1616 with methionine.
Molecular consequence: missense variant.
Genome position (GRCh38, 1-based): chr6:33,164,868, C>A on the plus strand (G>T on the coding strand, the complement: COL11A2 is on the minus strand). VCF-style: chr6-33164868-C-A. GRCh37 (hg19) VCF-style: chr6-33132645-C-A.
Other names: c.4526G>T, p.Arg1509Met (NM_080679.3); c.4589G>T, p.Arg1530Met (NM_080681.3); short protein forms R1509M, R1530M, R1616M.
Identifiers: ClinVar variation 1064998 (VCV001064998.3), dbSNP rs1366292773, ClinGen allele CA363617432.
Genomic context (GRCh38, chr6:33,164,868, plus strand): 5'-TGCACTATGGGGCAGGGGAGGGGCAGCGAGGGGCCAGCTCTCACCTGCGTGACGTCATCC[C>A]TAGGCGTCACACAGGTCTCACCCCCTGCTGTGAAGTTGCAGAAAACTCGGAAGGCATCCC-3'
Protein context (NP_542411.2, residues 1606-1626): TAGGETCVTP[Arg1616Met]DDVTQFSYVD

ClinVar aggregate classification (germline): Uncertain significance (1 of 4 stars; one submission).

Conditions:
Hearing impairment. Also called: Impaired Hearing. Identifiers: MedGen C1384666, MONDO:0005365, HP:0000365.

Submission:

Department of Otolaryngology – Head & Neck Surgery, Cochlear Implant Center
Classification: Uncertain significance for Hearing impairment. Last evaluated: 2021-04-12. Review status: criteria provided, single submitter. Criteria: ClinGen HL ACMG Specifications v1. Collection method: clinical testing. Allele origin: germline. Affected: yes.
Comment: PM2_Moderate